The following is an entry in ClinVar:

NM_024408.4(NOTCH2):c.4255A>G (p.Ser1419Gly)

Gene: NOTCH2 (notch receptor 2; minus strand). Cytogenetic location: 1p12.
Variant type: single nucleotide variant.
Coding change: c.4255A>G on transcript NM_024408.4 (MANE Select); coding-DNA position 4255, A replaced by G.
Protein change: p.Ser1419Gly; replaces serine 1419 with glycine.
Molecular consequence: missense variant.
Genome position (GRCh38, 1-based): chr1:119,925,561, T>C on the plus strand (A>G on the coding strand, the complement: NOTCH2 is on the minus strand). VCF-style: chr1-119925561-T-C. GRCh37 (hg19) VCF-style: chr1-120468184-T-C.
Other names: short protein forms S1419G.
Identifiers: ClinVar variation 3372782 (VCV003372782.1).

ClinVar aggregate classification (germline): Uncertain significance (1 of 4 stars; one submission).

gnomAD v4.1: 2 of 1,613,984 alleles (0.00012%); highest among the groups gnomAD compares: African/African-American, 0.0027%; no homozygotes.

Submission:

GeneDx
Classification: Uncertain significance. Last evaluated: 2024-04-24. Review status: criteria provided, single submitter. Criteria: GeneDx Variant Classification Process June 2021. Collection method: clinical testing. Allele origin: germline. Affected: yes.
Comment: Not observed at significant frequency in large population cohorts (gnomAD); In silico analysis indicates that this missense variant does not alter protein structure/function; Has not been previously published as pathogenic or benign to our knowledge